The following is an entry in ClinVar:

ClinVar aggregate classification (germline): Uncertain significance. Review status: criteria provided, multiple submitters, no conflicts (2 of 4 stars). 2 submissions from 2 submitters: Uncertain significance (2). Last evaluated 2024-01-01.

Conditions:
Hereditary cancer-predisposing syndrome. Also called: Tumor predisposition; Neoplastic Syndromes, Hereditary; Hereditary Cancer Syndrome; Hereditary neoplastic syndrome. Identifiers: Orphanet 140162, MedGen C0027672, MeSH D009386, MONDO:0015356.

Submissions (2):

Ambry Genetics
Classification: Uncertain significance for Hereditary cancer-predisposing syndrome. Last evaluated: 2024-01-01. Review status: criteria provided, single submitter. Criteria: Ambry Variant Classification Scheme 2023. Collection method: clinical testing. Allele origin: germline.
Comment: The p.Y1021N variant (also known as c.3061T>A), located in coding exon 22 of the MSH3 gene, results from a T to A substitution at nucleotide position 3061. The tyrosine at codon 1021 is replaced by asparagine, an amino acid with dissimilar properties. This amino acid position is conserved. In addition, this alteration is predicted to be deleterious by in silico analysis. Since supporting evidence is limited at this time, the clinical significance of this alteration remains unclear.

Labcorp Genetics (formerly Invitae), Labcorp
Classification: Uncertain significance. Last evaluated: 2022-10-13. Review status: criteria provided, single submitter. Criteria: Invitae Variant Classification Sherloc (09022015). Collection method: clinical testing. Allele origin: germline.
Comment: In summary, the available evidence is currently insufficient to determine the role of this variant in disease. Therefore, it has been classified as a Variant of Uncertain Significance. Algorithms developed to predict the effect of missense changes on protein structure and function are either unavailable or do not agree on the potential impact of this missense change (SIFT: "Deleterious"; PolyPhen-2: "Probably Damaging"; Align-GVGD: "Class C0"). ClinVar contains an entry for this variant (Variation ID: 1383804). This variant has not been reported in the literature in individuals affected with MSH3-related conditions. This variant is not present in population databases (gnomAD no frequency). This sequence change replaces tyrosine, which is neutral and polar, with asparagine, which is neutral and polar, at codon 1021 of the MSH3 protein (p.Tyr1021Asn).

NM_002439.5(MSH3):c.3061T>A (p.Tyr1021Asn)

Gene: MSH3 (mutS homolog 3; plus strand). Cytogenetic location: 5q14.1.
Variant type: single nucleotide variant.
Coding change: c.3061T>A on transcript NM_002439.5 (MANE Select); coding-DNA position 3061, T replaced by A.
Protein change: p.Tyr1021Asn; replaces tyrosine 1021 with asparagine.
Molecular consequence: missense variant.
Genome position (GRCh38, 1-based): chr5:80,864,873, T>A. VCF-style: chr5-80864873-T-A. GRCh37 (hg19) VCF-style: chr5-80160692-T-A.
Other names: c.3061T>A (NM_002439.3); short protein forms Y1021N.
Identifiers: ClinVar variation 1383804 (VCV001383804.7), dbSNP rs1580098615, ClinGen allele CA360346266.
Genomic context (GRCh38, chr5:80,864,873, plus strand): 5'-GTGAAATCCTTAACCCTGTTTGTCACCCATTATCCGCCAGTTTGTGAACTAGAAAAAAAT[T>A]ACTCACACCAGGTGGGGAATTACCACATGGGATTCTTGGTCAGTGAGGATGAAAGCAAAC-3'
Protein context (NP_002430.3, residues 1011-1031): YPPVCELEKN[Tyr1021Asn]SHQVGNYHMG